The following is an entry in ClinVar:

ClinVar aggregate classification (germline): Uncertain significance (1 of 4 stars; one submission).

Conditions:
Arthrogryposis, distal, type 1A. Also called: ARTHROGRYPOSIS MULTIPLEX CONGENITA, DISTAL, TYPE I. Identifiers: Orphanet 1146, MedGen C6022280, MONDO:0007157, OMIM 108120.

Allele frequency attached by ClinVar (database versions not stated): gnomAD exomes below 0.00001.

Submission:

Labcorp Genetics (formerly Invitae), Labcorp
Classification: Uncertain significance for Arthrogryposis, distal, type 1A. Last evaluated: 2025-04-27. Review status: criteria provided, single submitter. Criteria: Invitae Variant Classification Sherloc (09022015). Collection method: clinical testing. Allele origin: germline.
Comment: This sequence change replaces aspartic acid, which is acidic and polar, with glycine, which is neutral and non-polar, at codon 212 of the TPM2 protein (p.Asp212Gly). This variant is not present in population databases (gnomAD no frequency). This missense change has been observed in individual(s) with distal arthrogryposis type 1 (PMID: 35579956). ClinVar contains an entry for this variant (Variation ID: 458725). Invitae Evidence Modeling of protein sequence and biophysical properties (such as structural, functional, and spatial information, amino acid conservation, physicochemical variation, residue mobility, and thermodynamic stability) indicates that this missense variant is not expected to disrupt TPM2 protein function with a negative predictive value of 80%. Algorithms developed to predict the effect of sequence changes on RNA splicing suggest that this variant may disrupt the consensus splice site. In summary, the available evidence is currently insufficient to determine the role of this variant in disease. Therefore, it has been classified as a Variant of Uncertain Significance.

Literature cited by the submitters: PubMed 35579956.

NM_003289.4(TPM2):c.635A>G (p.Asp212Gly)

Gene: TPM2 (tropomyosin 2; minus strand). Cytogenetic location: 9p13.3.
Variant type: single nucleotide variant.
Coding change: c.635A>G on transcript NM_003289.4 (MANE Select); coding-DNA position 635, A replaced by G.
Protein change: p.Asp212Gly; replaces aspartic acid 212 with glycine.
Molecular consequence: missense variant. On other transcripts: intron variant (2).
Genome position (GRCh38, 1-based): chr9:35,684,736, T>C on the plus strand (A>G on the coding strand, the complement: TPM2 is on the minus strand). VCF-style: chr9-35684736-T-C. GRCh37 (hg19) VCF-style: chr9-35684733-T-C.
Other names: c.635A>G, p.Asp212Gly (NM_001301226.2); c.640-186A>G (NM_213674.1, NM_001301227.2); short protein forms D212G.
Identifiers: ClinVar variation 458725 (VCV000458725.11), dbSNP rs1554658784, ClinGen allele CA373365108.